The following is an entry in ClinVar:

NM_006206.6(PDGFRA):c.*2256G>T

Gene: PDGFRA (platelet derived growth factor receptor alpha; plus strand). Cytogenetic location: 4q12.
Variant type: single nucleotide variant.
Coding change: c.*2256G>T on transcript NM_006206.6 (MANE Select); 2256 bases downstream of the stop codon, G replaced by T.
Molecular consequence: 3 prime UTR variant.
Genome position (GRCh38, 1-based): chr4:54,297,528, G>T. VCF-style: chr4-54297528-G-T. GRCh37 (hg19) VCF-style: chr4-55163695-G-T.
Other names: c.*2256G>T (NM_001347828.2, NM_001347829.2, NM_001347830.2).
Identifiers: ClinVar variation 348941 (VCV000348941.5), dbSNP rs544503522, ClinGen allele CA10621206.

ClinVar aggregate classification (germline): Benign/Likely benign. Review status: criteria provided, single submitter (1 of 4 stars). 2 submissions from 1 submitter: Benign (1); Likely benign (1). Last evaluated 2018-01-13.

Conditions:
Gastrointestinal stromal tumor. Also called: Gastrointestinal stromal tumor, somatic; Gastrointestinal stroma tumor. Identifiers: Orphanet 44890, MedGen C0238198, MeSH D046152, MONDO:0011719, OMIM 606764, HP:0100723.
Idiopathic hypereosinophilic syndrome (HES). Identifiers: Orphanet 3260, MedGen C0206141, MONDO:0011895, OMIM 607685. Disease mechanism: gain of function.

Allele frequency attached by ClinVar (database versions not stated): gnomAD 0.00004 and 0.00009; gnomAD exomes 0.00007; TOPMed 0.00014; 1000 Genomes Project 0.00060; 1000 Genomes Project 30x 0.00078.
gnomAD v4.1: 23 of 233,648 alleles (0.0098%); highest among the groups gnomAD compares: East Asian, 0.097%; 1 homozygote.

Submissions (2):

Illumina Laboratory Services, Illumina
Classification: Likely benign for Gastrointestinal stromal tumor. Last evaluated: 2018-01-13. Review status: criteria provided, single submitter. Criteria: ICSL Variant Classification Criteria 13 December 2019. Collection method: clinical testing. Allele origin: germline.
Comment: This variant was observed in the ICSL laboratory as part of a predisposition screen in an ostensibly healthy population. It had not been previously curated by ICSL or reported in the Human Gene Mutation Database (HGMD: prior to June 1st, 2018), and was therefore a candidate for classification through an automated scoring system. Utilizing variant allele frequency, disease prevalence and penetrance estimates, and inheritance mode, an automated score was calculated to assess if this variant is too frequent to cause the disease. Based on the score and internal cut-off values, a variant classified as likely benign is not then subjected to further curation. The score for this variant resulted in a classification of likely benign for this disease.

Illumina Laboratory Services, Illumina
Classification: Benign for Idiopathic hypereosinophilic syndrome. Last evaluated: 2018-01-13. Review status: criteria provided, single submitter. Criteria: ICSL Variant Classification Criteria 13 December 2019. Collection method: clinical testing. Allele origin: germline.
Comment: This variant was observed in the ICSL laboratory as part of a predisposition screen in an ostensibly healthy population. It had not been previously curated by ICSL or reported in the Human Gene Mutation Database (HGMD: prior to June 1st, 2018), and was therefore a candidate for classification through an automated scoring system. Utilizing variant allele frequency, disease prevalence and penetrance estimates, and inheritance mode, an automated score was calculated to assess if this variant is too frequent to cause the disease. Based on the score and internal cut-off values, a variant classified as benign is not then subjected to further curation. The score for this variant resulted in a classification of benign for this disease.